The following is an entry in ClinVar:

ClinVar aggregate classification (germline): Uncertain significance (1 of 4 stars; one submission).

Conditions:
PKHD1L1-related disorder. Also called: PKHD1L1-related condition.

Submission:

PreventionGenetics, part of Exact Sciences
Classification: Uncertain significance for PKHD1L1-related condition. Last evaluated: 2024-12-02. Review status: criteria provided, single submitter. Criteria: ACMG Guidelines, 2015. Collection method: clinical testing. Allele origin: germline.
Comment: The PKHD1L1 c.12596_12598dupACA variant is predicted to result in an in-frame duplication (p.Asn4199dup). To our knowledge, this variant has not been reported in the literature. This variant is reported in 0.0065% of alleles in individuals of European (Non-Finnish) descent in gnomAD. At this time, the clinical significance of this variant is uncertain due to the absence of conclusive functional and genetic evidence.

NM_177531.6(PKHD1L1):c.12596_12598dup (p.Asn4199_Ser4200insAsn)

Gene: PKHD1L1 (PKHD1 like 1; plus strand). Cytogenetic location: 8q23.2.
Variant type: Duplication.
Coding change: c.12596_12598dup on transcript NM_177531.6 (MANE Select); coding-DNA positions 12596 to 12598, 3 bases duplicated (ACA; older notation c.12596_12598dupACA).
Protein change: p.Asn4199_Ser4200insAsn.
Molecular consequence: inframe insertion.
Genome position (GRCh38, 1-based): chr8:109,526,895-109,526,897, ACA duplicated; duplicating any 3 consecutive bases within chr8:109,526,893-109,526,897 gives the same sequence; the c. name uses the placement nearest the transcript's 3' end. VCF-style (leftmost placement, unchanged base first): chr8-109526892-G-GCAA. GRCh37 (hg19) VCF-style: chr8-110539121-G-GCAA.
Identifiers: ClinVar variation 4984837 (VCV004984837.1).